The following is an entry in ClinVar:

NM_005585.5(SMAD6):c.337C>T (p.Pro113Ser)

Gene: SMAD6 (SMAD family member 6; plus strand). Cytogenetic location: 15q22.31.
Variant type: single nucleotide variant.
Coding change: c.337C>T on transcript NM_005585.5 (MANE Select); coding-DNA position 337, C replaced by T.
Protein change: p.Pro113Ser; replaces proline 113 with serine.
Molecular consequence: missense variant. On other transcripts: non-coding transcript variant (1).
Genome position (GRCh38, 1-based): chr15:66,703,595, C>T. VCF-style: chr15-66703595-C-T. GRCh37 (hg19) VCF-style: chr15-66995933-C-T.
Other names: short protein forms P113S.
Identifiers: ClinVar variation 4746174 (VCV004746174.1).
Genomic context (GRCh38, chr15:66,703,595, plus strand): 5'-ATGTCGGAGCCAGGGGCCGGCGCTGGGAGCTCCCTGCTGGACGTGGCGGAGCCGGGAGGC[C>T]CGGGCTGGCTGCCCGAGAGTGACTGCGAGACGGTGACCTGCTGTCTCTTTTCGGAGCGGG-3'
Protein context (NP_005576.3, residues 103-123): SLLDVAEPGG[Pro113Ser]GWLPESDCET

ClinVar aggregate classification (germline): Uncertain significance (1 of 4 stars; one submission).

Conditions:
Aortic valve disease 2 (AOVD2). Identifiers: MedGen C3542024, MONDO:0013902, OMIM 614823.

Submission:

Labcorp Genetics (formerly Invitae), Labcorp
Classification: Uncertain significance for Aortic valve disease 2. Last evaluated: 2025-02-04. Review status: criteria provided, single submitter. Criteria: Invitae Variant Classification Sherloc (09022015). Collection method: clinical testing. Allele origin: germline.
Comment: This sequence change replaces proline, which is neutral and non-polar, with serine, which is neutral and polar, at codon 113 of the SMAD6 protein (p.Pro113Ser). This variant is not present in population databases (gnomAD no frequency). This variant has not been reported in the literature in individuals affected with SMAD6-related conditions. An algorithm developed to predict the effect of missense changes on protein structure and function (PolyPhen-2) suggests that this variant is likely to be tolerated. In summary, the available evidence is currently insufficient to determine the role of this variant in disease. Therefore, it has been classified as a Variant of Uncertain Significance.